The following is an entry in ClinVar:

NM_005343.4(HRAS):c.277A>G (p.Ile93Val)

Genes: HRAS (HRas proto-oncogene, GTPase; minus strand), LRRC56 (leucine rich repeat containing 56; plus strand). Cytogenetic location: 11p15.5.
Variant type: single nucleotide variant.
Coding change: c.277A>G on transcript NM_005343.4 (MANE Select); coding-DNA position 277, A replaced by G.
Protein change: p.Ile93Val; replaces isoleucine 93 with valine.
Molecular consequence: missense variant. On other transcripts: 5 prime UTR variant (1).
Genome position (GRCh38, 1-based): chr11:533,779, T>C on the plus strand (A>G on the coding strand, the complement: HRAS is on the minus strand). VCF-style: chr11-533779-T-C. GRCh37 (hg19) VCF-style: chr11-533779-T-C.
Other names: p.I93V:ATC>GTC; NM_176795.4(HRAS):c.277A>G; c.277A>G, p.Ile93Val (NM_001130442.3, NM_176795.5); c.-43A>G (NM_001318054.2); short protein forms I93V.
Identifiers: ClinVar variation 40439 (VCV000040439.10), dbSNP rs587782949, ClinGen allele CA296061.

ClinVar aggregate classification (germline): Uncertain significance. Review status: reviewed by expert panel (3 of 4 stars). 4 submissions from 4 submitters: Uncertain significance (1). 3 of the submissions do not count toward it. Last evaluated 2024-09-17.

Conditions:
RASopathy. Also called: rasopathies; Noonan spectrum disorder. Identifiers: Orphanet 536391, MedGen C5555857, MONDO:0021060.
Costello syndrome (CSTLO). Also called: FACIOCUTANEOSKELETAL SYNDROME; FCS SYNDROME; HRAS-Related Costello Syndrome. Identifiers: Orphanet 3071, MedGen C0587248, MONDO:0009026, OMIM 218040.

Allele frequency attached by ClinVar (database versions not stated): gnomAD exomes below 0.00001; gnomAD 0.00001.
gnomAD v4.1: 4 of 1,613,210 alleles (0.00025%); no homozygotes.

Submissions (4):

ClinGen RASopathy Variant Curation Expert Panel
Classification: Uncertain significance for RASopathy. Last evaluated: 2024-09-17. Review status: reviewed by expert panel. Criteria: ClinGen RASopathy ACMG Specifications HRAS V2.1.0. Collection method: curation. Allele origin: germline. Inheritance: Autosomal dominant inheritance.
Comment: The c.277A>G variant in the HRAS gene is a missense variant predicted to cause substitution of isoleucine by valine at amino acid 93 (p.Ile93Val). The highest population minor allele frequency in gnomAD v4.1.0 is 0.0002053% (2/63238 alleles) in the European (Finnish) population (PM2_Supporting/BS1/BA1 are not met). The computational predictor REVEL gives a score of 0.141 and does not predict a damaging effect on HRAS function (BP4). The c.277A>G (p.Ile93Val) variant has been identified in 1 patient with a features of a RASopathy, however an additional proband inherited this variant from an asymptomatic parent (PS4_Supporting not met, BS2 not met; GeneDx internal data, Blueprint Genetics internal data; GTR ID's: 26957, 500188; ClinVar SCV000207855.10, SCV000188770.2). In summary, this variant meets criteria to be classified as variant of uncertain significance for autosomal dominant RASopathies based on the ACMG/AMP criteria applied, as specified by the ClinGen RASopathy Variant Curation Expert Panel: BP4 (Specification Version 2.1, 09/17/2024)

Labcorp Genetics (formerly Invitae), Labcorp
Classification: Uncertain significance for Costello syndrome. Last evaluated: 2022-05-27. Review status: criteria provided, single submitter. Criteria: Invitae Variant Classification Sherloc (09022015). Collection method: clinical testing. Allele origin: germline. Not counted in ClinVar's aggregate classification.
Comment: This sequence change replaces isoleucine, which is neutral and non-polar, with valine, which is neutral and non-polar, at codon 93 of the HRAS protein (p.Ile93Val). This variant is present in population databases (rs587782949, gnomAD 0.004%). This variant has not been reported in the literature in individuals affected with HRAS-related conditions. ClinVar contains an entry for this variant (Variation ID: 40439). Advanced modeling of protein sequence and biophysical properties (such as structural, functional, and spatial information, amino acid conservation, physicochemical variation, residue mobility, and thermodynamic stability) performed at Invitae indicates that this missense variant is not expected to disrupt HRAS protein function. In summary, the available evidence is currently insufficient to determine the role of this variant in disease. Therefore, it has been classified as a Variant of Uncertain Significance.

Blueprint Genetics
Classification: Likely benign. Last evaluated: 2022-03-18. Review status: criteria provided, single submitter. Criteria: ACMG Guidelines, 2015. Collection method: clinical testing. Allele origin: germline. Not counted in ClinVar's aggregate classification.

GeneDx
Classification: Uncertain significance. Last evaluated: 2013-02-26. Review status: criteria provided, single submitter. Criteria: GeneDx Variant Classification (06012015). Collection method: clinical testing. Allele origin: germline. Affected: yes. Not counted in ClinVar's aggregate classification.
Comment: The I93V missense substitution has not been published as a mutation, nor has it been reported as a benign polymorphism to our knowledge. The I93V amino acid substitution is conservative as both Isoleucine and Valine are neutral and non-polar residues. The residue at which this substitution occurs is highly conserved across species within this protein but not in related proteins. The NHLBI ESP Exome Variant Server reports that I93V was not observed in approximately 6,500 samples from individuals of European and African American backgrounds, indicating it is not a common benign variant in these populations. The vast majority of missense changes in HRAS are pathogenic; however, no other clear mutations have been reported in nearby codons. One other missense change (S89C) has been reported in a nearby codon, however its pathogenicity is questionable as an unaffected parent was also found to harbor this missense change (Gripp et al., 2012). Based on the currently available information, it is unclear whether I93V is a disease-causing mutation or a rare benign variant. The variant is found in NOONAN panel(s).